The following is an entry in ClinVar:

ClinVar aggregate classification (germline): Uncertain significance (1 of 4 stars; one submission).

Conditions:
Developmental and epileptic encephalopathy, 23 (DEE23). Also called: Epileptic encephalopathy, early infantile, 23. Identifiers: Orphanet 411986, MedGen C4014492, MONDO:0014371, OMIM 615859.

gnomAD v4.1: 3 of 1,613,848 alleles (0.00019%); highest among the groups gnomAD compares: Non-Finnish European, 0.00025%; no homozygotes.

Submission:

Labcorp Genetics (formerly Invitae), Labcorp
Classification: Uncertain significance for Developmental and epileptic encephalopathy, 23. Last evaluated: 2020-06-17. Review status: criteria provided, single submitter. Criteria: Invitae Variant Classification Sherloc (09022015). Collection method: clinical testing. Allele origin: germline.
Comment: This variant is not present in population databases (ExAC no frequency). This sequence change replaces leucine with phenylalanine at codon 60 of the DOCK7 protein (p.Leu60Phe). The leucine residue is moderately conserved and there is a small physicochemical difference between leucine and phenylalanine. This variant has not been reported in the literature in individuals with DOCK7-related conditions. Algorithms developed to predict the effect of missense changes on protein structure and function (SIFT, PolyPhen-2, Align-GVGD) all suggest that this variant is likely to be tolerated, but these predictions have not been confirmed by published functional studies and their clinical significance is uncertain. In summary, the available evidence is currently insufficient to determine the role of this variant in disease. Therefore, it has been classified as a Variant of Uncertain Significance.

NM_001367561.1(DOCK7):c.180G>T (p.Leu60Phe)

Gene: DOCK7 (dedicator of cytokinesis 7; minus strand). Cytogenetic location: 1p31.3.
Variant type: single nucleotide variant.
Coding change: c.180G>T on transcript NM_001367561.1 (MANE Select); coding-DNA position 180, G replaced by T.
Protein change: p.Leu60Phe; replaces leucine 60 with phenylalanine.
Molecular consequence: missense variant.
Genome position (GRCh38, 1-based): chr1:62,654,124, C>A on the plus strand (G>T on the coding strand, the complement: DOCK7 is on the minus strand). VCF-style: chr1-62654124-C-A. GRCh37 (hg19) VCF-style: chr1-63119795-C-A.
Other names: c.180G>T, p.Leu60Phe (NM_001271999.2, NM_001272000.2, NM_001272001.2 and 3 more transcripts); short protein forms L60F.
Identifiers: ClinVar variation 945336 (VCV000945336.10), dbSNP rs773977723, ClinGen allele CA340704487.